The following is an entry in ClinVar:

NM_001454.4(FOXJ1):c.279G>A (p.Ser93=)

Genes: FOXJ1 (forkhead box J1; minus strand), LOC130061707 (ATAC-STARR-seq lymphoblastoid silent region 9003; plus strand). Cytogenetic location: 17q25.1.
Variant type: single nucleotide variant.
Coding change: c.279G>A on transcript NM_001454.4 (MANE Select); coding-DNA position 279, G replaced by A.
Protein change: p.Ser93=; no amino-acid change (serine 93 retained).
Molecular consequence: synonymous variant.
Genome position (GRCh38, 1-based): chr17:76,140,117, C>T on the plus strand (G>A on the coding strand, the complement: FOXJ1 is on the minus strand). VCF-style: chr17-76140117-C-T. GRCh37 (hg19) VCF-style: chr17-74136198-C-T.
Identifiers: ClinVar variation 3038132 (VCV003038132.2), dbSNP rs375734395, ClinGen allele CA8782088.
Genomic context (GRCh38, chr17:76,140,117, plus strand): 5'-GTCCACGTCGTCGGGGGGTGGGGCCTGCAGCCCCGGGGGCGCGCTCCGCGACGTGCACGA[C>T]GACGTGGGCTTGCCCGGCGTGTGTGGCTGCCCCAGGCAGGCGGGGTCGGCCGCCAGGGGG-3'
Protein context (NP_001445.2, residues 83-103): GQPHTPGKPT[Ser93=]SCTSRSAPPG

ClinVar aggregate classification (germline): Likely benign (0 of 4 stars; one submission).

Conditions:
FOXJ1-related disorder. Also called: FOXJ1-related condition.

Allele frequency attached by ClinVar (database versions not stated): TOPMed 0.00005; gnomAD 0.00009; ExAC 0.00012; ESP Exome Variant Server 0.00015.
gnomAD v4.1: 136 of 1,590,782 alleles (0.0085%); highest among the groups gnomAD compares: Non-Finnish European, 0.01%; 1 homozygote.

Submission:

PreventionGenetics, part of Exact Sciences
Classification: Likely benign for FOXJ1-related condition. Last evaluated: 2023-12-11. Review status: no assertion criteria provided. Collection method: clinical testing. Allele origin: germline.
Comment: This variant is classified as likely benign based on ACMG/AMP sequence variant interpretation guidelines (Richards et al. 2015 PMID: 25741868, with internal and published modifications).